The following is an entry in ClinVar:

NM_007294.4(BRCA1):c.1800C>T (p.Ile600=)

Gene: BRCA1 (BRCA1 DNA repair associated; minus strand). Cytogenetic location: 17q21.31.
Variant type: single nucleotide variant.
Coding change: c.1800C>T on transcript NM_007294.4 (MANE Select); coding-DNA position 1800, C replaced by T.
Protein change: p.Ile600=; no amino-acid change (isoleucine 600 retained).
Molecular consequence: synonymous variant. On other transcripts: intron variant (137).
Genome position (GRCh38, 1-based): chr17:43,093,731, G>A on the plus strand (C>T on the coding strand, the complement: BRCA1 is on the minus strand). VCF-style: chr17-43093731-G-A. GRCh37 (hg19) VCF-style: chr17-41245748-G-A.
Other names: c.1587C>T, p.Ile529= (NM_001407853.1, NM_001407915.1, NM_001407899.1 and 9 more transcripts); c.1800C>T, p.Ile600= (NM_001407854.1, NM_001407858.1, NM_001407859.1 and 30 more transcripts); c.1797C>T, p.Ile599= (NM_001407860.1, NM_001407861.1, NM_001407587.1 and 22 more transcripts); c.1599C>T, p.Ile533= (NM_001407862.1); c.1677C>T, p.Ile559= (NM_001407863.1, NM_001407648.1, NM_001407664.1 and 19 more transcripts); c.1590C>T, p.Ile530= (NM_001407908.1, NM_001407909.1, NM_001407910.1 and 13 more transcripts); c.1596C>T, p.Ile532= (NM_001407874.1, NM_001407875.1); c.1791C>T, p.Ile597= (NM_001407646.1, NM_001407647.1); and 40 more.
Identifiers: ClinVar variation 918124 (VCV000918124.8), dbSNP rs80357452, ClinGen allele CA500232828.

ClinVar aggregate classification (germline): Likely benign. Review status: criteria provided, multiple submitters, no conflicts (2 of 4 stars). 4 submissions from 4 submitters: Likely benign (4). Last evaluated 2025-04-18.

Conditions:
Hereditary breast ovarian cancer syndrome. Also called: Hereditary breast and ovarian cancer; Hereditary breast and ovarian cancer syndrome (HBOC); Breast and ovarian cancer; Hereditary breast and ovarian cancer syndrome; BRCA1- and BRCA2-Associated Hereditary Breast and Ovarian Cancer; Hereditary breast and/or ovarian cancer syndrome. Identifiers: Orphanet 145, MedGen C0677776, MeSH D061325, MONDO:0003582. Disease mechanism: loss of function.
Hereditary cancer-predisposing syndrome. Also called: Tumor predisposition; Hereditary neoplastic syndrome; Hereditary Cancer Syndrome; Neoplastic Syndromes, Hereditary. Identifiers: Orphanet 140162, MedGen C0027672, MeSH D009386, MONDO:0015356.

Submissions (4):

Labcorp Genetics (formerly Invitae), Labcorp
Classification: Likely benign for Hereditary breast ovarian cancer syndrome. Last evaluated: 2025-04-18. Review status: criteria provided, single submitter. Criteria: Invitae Variant Classification Sherloc (09022015). Collection method: clinical testing. Allele origin: germline.

Quest Diagnostics Nichols Institute San Juan Capistrano
Classification: Likely benign. Last evaluated: 2025-01-10. Review status: criteria provided, single submitter. Criteria: Quest Diagnostics criteria. Collection method: clinical testing. Allele origin: unknown.

Ambry Genetics
Classification: Likely benign for Hereditary cancer-predisposing syndrome. Last evaluated: 2023-01-15. Review status: criteria provided, single submitter. Criteria: Ambry Variant Classification Scheme 2023. Collection method: clinical testing. Allele origin: germline.

Women's Health and Genetics/Laboratory Corporation of America, LabCorp
Classification: Likely benign. Last evaluated: 2020-03-18. Review status: criteria provided, single submitter. Criteria: LabCorp Variant Classification Summary - May 2015. Collection method: clinical testing. Allele origin: germline.
Comment: Variant summary: BRCA1 c.1800C>T alters a non-conserved nucleotide resulting in a synonymous change. 4/4 computational tools predict no significant impact on normal splicing. However, these predictions have yet to be confirmed by functional studies. The variant was absent in 251054 control chromosomes. The available data on variant occurrences in the general population are insufficient to allow any conclusion about variant significance. To our knowledge, no occurrence of c.1800C>T in individuals affected with Hereditary Breast and Ovarian Cancer and no experimental evidence demonstrating its impact on protein function have been reported. No clinical diagnostic laboratories have submitted clinical-significance assessments for this variant to ClinVar after 2014. Based on the evidence outlined above, the variant was classified as likely benign.